The following is an entry in ClinVar:

ClinVar aggregate classification (germline): Likely pathogenic (1 of 4 stars; one submission).

Conditions:
Congenital neutropenia-myelofibrosis-nephromegaly syndrome. Also called: Severe congenital neutropenia 5, autosomal recessive. Identifiers: Orphanet 369852, MedGen C3809031, MONDO:0014118, OMIM 615285.

Submission:

Natera, Inc.
Classification: Likely pathogenic for Autosomal recessive severe congenital neutropenia 5. Last evaluated: 2025-05-12. Review status: criteria provided, single submitter. Criteria: Natera Variant Classification Schema (03/2026). Collection method: clinical testing. Allele origin: germline.
Comment: The c.1420del variant in VPS45 is a frameshift variant predicted to shift the reading frame beginning at codon 474 and leads to a stop codon 17 codons downstream. This variant is expected to result in nonsense mediated decay, truncation, or a dysfunctional protein product. This variant is rare in the general population with a frequency below the threshold expected for the associated phenotype(s). Given the available evidence, this variant is classified as Likely Pathogenic.

NM_007259.5(VPS45):c.1420del (p.Leu474fs)

Gene: VPS45 (vacuolar protein sorting 45 homolog; plus strand). Cytogenetic location: 1q21.2.
Variant type: Deletion.
Coding change: c.1420del on transcript NM_007259.5 (MANE Select); coding-DNA position 1420, one base deleted (C; older notation c.1420delC).
Protein change: p.Leu474fs; shifts the reading frame from leucine 474.
Molecular consequence: frameshift variant. On other transcripts: non-coding transcript variant (1).
Genome position (GRCh38, 1-based): chr1:150,093,575, C deleted; the last of 3 consecutive C bases (chr1:150,093,573-150,093,575); deleting any one gives the same sequence. VCF-style (leftmost placement, unchanged base first): chr1-150093572-AC-A. GRCh37 (hg19) VCF-style: chr1-150065668-AC-A.
Other names: c.1105del, p.Leu369fs (NM_001279353.2); c.1312del, p.Leu438fs (NM_001279354.2); short protein forms L369fs, L438fs, L474fs.
Identifiers: ClinVar variation 4063282 (VCV004063282.2).